The following is an entry in ClinVar:

NM_003722.5(TP63):c.1490A>T (p.Asp497Val)

Gene: TP63 (tumor protein p63; plus strand). Cytogenetic location: 3q28.
Variant type: single nucleotide variant.
Coding change: c.1490A>T on transcript NM_003722.5 (MANE Select); coding-DNA position 1490, A replaced by T.
Protein change: p.Asp497Val; replaces aspartic acid 497 with valine.
Molecular consequence: missense variant.
Genome position (GRCh38, 1-based): chr3:189,886,534, A>T. VCF-style: chr3-189886534-A-T. GRCh37 (hg19) VCF-style: chr3-189604323-A-T.
Other names: c.1490A>T, p.Asp497Val (NM_001114978.2, NM_001329144.2); c.1208A>T, p.Asp403Val (NM_001114980.2, NM_001114981.2, NM_001329145.2); c.953A>T, p.Asp318Val (NM_001329146.2); c.1478A>T, p.Asp493Val (NM_001329148.2); c.1196A>T, p.Asp399Val (NM_001329149.2); c.941A>T, p.Asp314Val (NM_001329150.2); c.1484A>T, p.Asp495Val (NM_001329964.2); short protein forms D403V, D318V, D399V, D493V, D495V, D314V, D497V.
Identifiers: ClinVar variation 5009953 (VCV005009953.1).

ClinVar aggregate classification (germline): Uncertain significance (1 of 4 stars; one submission).

gnomAD v4.1: 1 of 1,614,092 alleles (0.000062%); highest among the groups gnomAD compares: Non-Finnish European, 0.000085%; no homozygotes.

Submission:

GeneDx
Classification: Uncertain significance. Last evaluated: 2026-02-24. Review status: criteria provided, single submitter. Criteria: GeneDx Variant Classification Process June 2021. Collection method: clinical testing. Allele origin: germline.
Comment: Not observed at significant frequency in large population cohorts (gnomAD); In silico analysis suggests that this missense variant does not alter protein structure/function; Has not been previously published as pathogenic or benign to our knowledge; Also known as p.(D458V)